The following is an entry in ClinVar:

ClinVar aggregate classification (germline): Likely benign (0 of 4 stars; one submission).

Conditions:
POMT2-related disorder. Also called: POMT2-related condition.

Submission:

PreventionGenetics, part of Exact Sciences
Classification: Likely benign for POMT2-related condition. Last evaluated: 2024-08-07. Review status: no assertion criteria provided. Collection method: clinical testing. Allele origin: germline.
Comment: This variant is classified as likely benign based on ACMG/AMP sequence variant interpretation guidelines (Richards et al. 2015 PMID: 25741868, with internal and published modifications).

NM_013382.7(POMT2):c.567G>C (p.Leu189=)

Gene: POMT2 (protein O-mannosyltransferase 2; minus strand). Cytogenetic location: 14q24.3.
Variant type: single nucleotide variant.
Coding change: c.567G>C on transcript NM_013382.7 (MANE Select); coding-DNA position 567, G replaced by C.
Protein change: p.Leu189=; no amino-acid change (leucine 189 retained).
Molecular consequence: synonymous variant.
Genome position (GRCh38, 1-based): chr14:77,302,924, C>G on the plus strand (G>C on the coding strand, the complement: POMT2 is on the minus strand). VCF-style: chr14-77302924-C-G. GRCh37 (hg19) VCF-style: chr14-77769267-C-G.
Identifiers: ClinVar variation 3347897 (VCV003347897.1).
Genomic context (GRCh38, chr14:77,302,924, plus strand): 5'-GCTCAGCATGGCAGCCATGATGAAGAACATCAGGATGGGGTCAAGGAGGATGTACTGGGA[C>G]AGAGTGAGGCATCCCGTGTCTGAAAAACATGAGCTCGCTGGTGAAAAAGCGAGGTAAGAG-3'
Protein context (NP_037514.2, residues 179-199): LLTFDTGCLT[Leu189=]SQYILLDPIL